The following is an entry in ClinVar:

ClinVar aggregate classification (germline): Uncertain significance (1 of 4 stars; one submission).

Conditions:
TBX3-related disorder. Also called: TBX3-related condition.

Submission:

PreventionGenetics, part of Exact Sciences
Classification: Uncertain significance for TBX3-related condition. Last evaluated: 2025-04-18. Review status: criteria provided, single submitter. Criteria: ACMG Guidelines, 2015. Collection method: clinical testing. Allele origin: germline.
Comment: The TBX3 c.1744C>G variant is predicted to result in the amino acid substitution p.Leu582Val. To our knowledge, this variant has not been reported in the literature. This variant is reported in 0.0% of alleles in individuals of African descent in gnomAD. At this time, the clinical significance of this variant is uncertain due to the absence of conclusive functional and genetic evidence.

NM_005996.4(TBX3):c.1684C>G (p.Leu562Val)

Gene: TBX3 (T-box transcription factor 3; minus strand). Cytogenetic location: 12q24.21.
Variant type: single nucleotide variant.
Coding change: c.1684C>G on transcript NM_005996.4 (MANE Select); coding-DNA position 1684, C replaced by G.
Protein change: p.Leu562Val; replaces leucine 562 with valine.
Molecular consequence: missense variant.
Genome position (GRCh38, 1-based): chr12:114,674,191, G>C on the plus strand (C>G on the coding strand, the complement: TBX3 is on the minus strand). VCF-style: chr12-114674191-G-C. GRCh37 (hg19) VCF-style: chr12-115111996-G-C.
Other names: c.1744C>G, p.Leu582Val (NM_016569.4); short protein forms L582V, L562V.
Identifiers: ClinVar variation 4998538 (VCV004998538.1).